The following is an entry in ClinVar:

NM_001040108.2(MLH3):c.2540G>A (p.Arg847Lys)

Gene: MLH3 (mutL homolog 3; minus strand). Cytogenetic location: 14q24.3.
Variant type: single nucleotide variant.
Coding change: c.2540G>A on transcript NM_001040108.2 (MANE Select); coding-DNA position 2540, G replaced by A.
Protein change: p.Arg847Lys; replaces arginine 847 with lysine.
Molecular consequence: missense variant.
Genome position (GRCh38, 1-based): chr14:75,047,116, C>T on the plus strand (G>A on the coding strand, the complement: MLH3 is on the minus strand). VCF-style: chr14-75047116-C-T. GRCh37 (hg19) VCF-style: chr14-75513819-C-T.
Other names: c.2540G>A, p.Arg847Lys (NM_014381.3); short protein forms R847K.
Identifiers: ClinVar variation 1792816 (VCV001792816.2), dbSNP rs1378980932, ClinGen allele CA390439930.

ClinVar aggregate classification (germline): Uncertain significance (1 of 4 stars; one submission).

Allele frequency attached by ClinVar (database versions not stated): gnomAD exomes below 0.00001.
gnomAD v4.1: 2 of 1,614,180 alleles (0.00012%); highest among the groups gnomAD compares: Admixed American, 0.0033%; no homozygotes.

Submission:

Ambry Genetics
Classification: Uncertain significance. Last evaluated: 2023-10-06. Review status: criteria provided, single submitter. Criteria: Ambry Variant Classification Scheme 2023. Collection method: clinical testing. Allele origin: germline.
Comment: The p.R847K variant (also known as c.2540G>A), located in coding exon 1 of the MLH3 gene, results from a G to A substitution at nucleotide position 2540. The arginine at codon 847 is replaced by lysine, an amino acid with highly similar properties. This amino acid position is conserved. In addition, this alteration is predicted to be tolerated by in silico analysis. Since supporting evidence is limited at this time, the clinical significance of this alteration remains unclear.